The following is an entry in ClinVar:

NM_014989.7(RIMS1):c.1619C>T (p.Thr540Met)

Genes: RIMS1 (regulating synaptic membrane exocytosis 1; plus strand), LOC129996709 (ATAC-STARR-seq lymphoblastoid active region 24736; plus strand). Cytogenetic location: 6q13.
Variant type: single nucleotide variant.
Coding change: c.1619C>T on transcript NM_014989.7 (MANE Select); coding-DNA position 1619, C replaced by T.
Protein change: p.Thr540Met; replaces threonine 540 with methionine.
Molecular consequence: missense variant.
Genome position (GRCh38, 1-based): chr6:72,183,090, C>T. VCF-style: chr6-72183090-C-T. GRCh37 (hg19) VCF-style: chr6-72892793-C-T.
Other names: short protein forms T540M.
Identifiers: ClinVar variation 4994411 (VCV004994411.1).

ClinVar aggregate classification (germline): Uncertain significance (1 of 4 stars; one submission).

Conditions:
RIMS1-related disorder. Also called: RIMS1-related condition.

Submission:

PreventionGenetics, part of Exact Sciences
Classification: Uncertain significance for RIMS1-related condition. Last evaluated: 2026-05-25. Review status: criteria provided, single submitter. Criteria: ACMG Guidelines, 2015. Collection method: clinical testing. Allele origin: germline.
Comment: The RIMS1 c.1619C>T variant is predicted to result in the amino acid substitution p.Thr540Met. To our knowledge, this variant has not been reported in the literature or in a large population database (gnomAD), indicating this variant is rare. At this time, the clinical significance of this variant is uncertain due to the absence of conclusive functional and genetic evidence.